The following is an entry in ClinVar:

ClinVar aggregate classification (germline): Pathogenic (1 of 4 stars; one submission).

Submission:

GeneDx
Classification: Pathogenic. Last evaluated: 2026-03-31. Review status: criteria provided, single submitter. Criteria: GeneDx Variant Classification Process June 2021. Collection method: clinical testing. Allele origin: germline.
Comment: Intronic variant directly or indirectly altering the +5 splice site in a gene for which loss of function is a known mechanism of disease, and splice predictors support a deleterious effect; Not observed at significant frequency in large population cohorts (gnomAD); Has not been previously published as pathogenic or benign to our knowledge

NM_001378120.1(MBD5):c.397+5G>A

Gene: MBD5 (methyl-CpG binding domain protein 5; plus strand). Cytogenetic location: 2q23.1.
Variant type: single nucleotide variant.
Coding change: c.397+5G>A on transcript NM_001378120.1 (MANE Select); 5 bases into the intron after coding-DNA position 397, G replaced by A.
Molecular consequence: intron variant.
Genome position (GRCh38, 1-based): chr2:148,463,924, G>A. VCF-style: chr2-148463924-G-A. GRCh37 (hg19) VCF-style: chr2-149221493-G-A.
Other names: c.397+5G>A (NM_018328.5, NM_001438862.1, NM_001438854.1 and 7 more transcripts).
Identifiers: ClinVar variation 5016815 (VCV005016815.1).